The following is an entry in ClinVar:

ClinVar aggregate classification (germline): Likely benign (1 of 4 stars; one submission).

gnomAD v4.1: 99 of 1,588,894 alleles (0.0062%); highest among the groups gnomAD compares: Non-Finnish European, 0.0078%; no homozygotes.

Submission:

CeGaT Center for Human Genetics Tuebingen
Classification: Likely benign. Last evaluated: 2026-08-01. Review status: criteria provided, single submitter. Criteria: CeGaT Center For Human Genetics Tuebingen Variant Classification Criteria Version 2. Collection method: clinical testing. Allele origin: germline. Affected: yes. Observed: 2 variant alleles.
Comment: SYCP2: BP4

NM_014258.4(SYCP2):c.431A>G (p.Lys144Arg)

Gene: SYCP2 (synaptonemal complex protein 2; minus strand). Cytogenetic location: 20q13.33.
Variant type: single nucleotide variant.
Coding change: c.431A>G on transcript NM_014258.4 (MANE Select); coding-DNA position 431, A replaced by G.
Protein change: p.Lys144Arg; replaces lysine 144 with arginine.
Molecular consequence: missense variant.
Genome position (GRCh38, 1-based): chr20:59,916,568, T>C on the plus strand (A>G on the coding strand, the complement: SYCP2 is on the minus strand). VCF-style: chr20-59916568-T-C. GRCh37 (hg19) VCF-style: chr20-58491623-T-C.
Other names: short protein forms K144R.
Identifiers: ClinVar variation 4873085 (VCV004873085.2).
Genomic context (GRCh38, chr20:59,916,568, plus strand): 5'-ACTCTTGAGTCAATAACCAGGGAACAAATGCGAGGTACGAAACTTTCCACTACTTGTTTT[T>C]TACCTGAATAAAAGTGTTAAATTATTGATAAATGTTCATTTCAAATCCTCTTAACTGTCA-3'
Protein context (NP_055073.2, residues 134-154): LVIHDVSDEG[Lys144Arg]KQVVESFVPR